The following is an entry in ClinVar:

NM_000156.6(GAMT):c.279C>T (p.Asp93=)

Gene: GAMT (guanidinoacetate N-methyltransferase; minus strand). Cytogenetic location: 19p13.3.
Variant type: single nucleotide variant.
Coding change: c.279C>T on transcript NM_000156.6 (MANE Select); coding-DNA position 279, C replaced by T.
Protein change: p.Asp93=; no amino-acid change (aspartic acid 93 retained).
Molecular consequence: synonymous variant.
Genome position (GRCh38, 1-based): chr19:1,399,841, G>A on the plus strand (C>T on the coding strand, the complement: GAMT is on the minus strand). VCF-style: chr19-1399841-G-A. GRCh37 (hg19) VCF-style: chr19-1399840-G-A.
Other names: p.D93D:GAC>GAT; NM_000156.6(GAMT):c.279C>T; p.Asp93=; c.279C>T, p.Asp93= (NM_138924.3).
Identifiers: ClinVar variation 137434 (VCV000137434.50), dbSNP rs144630886, ClinGen allele CA291015.

ClinVar aggregate classification (germline): Benign. Review status: reviewed by expert panel (3 of 4 stars). 11 submissions from 11 submitters: Benign (1). 10 of the submissions do not count toward it. Last evaluated 2022-06-06.

Conditions:
Cerebral creatine deficiency syndrome. Also called: Creatine deficiency syndromes. Identifiers: Orphanet 79172, MedGen C5244016, MONDO:0000456.
Inborn genetic diseases. Identifiers: MedGen C0950123, MeSH D030342.
Deficiency of guanidinoacetate methyltransferase (CCDS2). Also called: Guanidinoacetate Methyltransferase (GAMT) Deficiency; GAMT DEFICIENCY; CEREBRAL CREATINE DEFICIENCY SYNDROME 2. Identifiers: Orphanet 382, MedGen C0574080, MONDO:0012999, OMIM 612736.

Allele frequency attached by ClinVar (database versions not stated): gnomAD exomes 0.00025 and 0.00058; gnomAD 0.00028 and 0.00029; TOPMed 0.00044; ESP Exome Variant Server 0.00046; 1000 Genomes Project 0.00060; 1000 Genomes Project 30x 0.00094; ExAC 0.00118.
gnomAD v4.1: 418 of 1,594,890 alleles (0.026%); highest among the groups gnomAD compares: East Asian, 0.26%; 1 homozygote.

Submissions (11):

ClinGen Cerebral Creatine Deficiency Syndromes Variant Curation Expert Panel, ClinGen
Classification: Benign for Deficiency of guanidinoacetate methyltransferase. Last evaluated: 2022-06-06. Review status: reviewed by expert panel. Criteria: ClinGen_CCDS_ACMG_Specifications_GAMT_v1.1. Collection method: curation. Allele origin: germline. Inheritance: Autosomal recessive inheritance.
Comment: The NM_000156.6:c.279C>T (p.Asp93=) is a synonymous variant in GAMT that is predicted to not impact splicing by SpliceAI and VarSeak, and the nucleotide is not highly conserved (BP4, BP7). The highest population minor allele frequency in gnomAD v2.1.1 is 0.00484 (87/17976 alleles) in the East Asian population, which is higher than the ClinGen CCDS VCEP’s threshold for BA1 (>0.003), and therefore meets this criterion (BA1). This variant does not appear to have been previously reported in the published literature. It is noted in ClinVar (Variation ID 137434). In summary, this variant meets the criteria to be classified as benign for GAMT deficiency. GAMT-specific ACMG/AMP codes met, as specified by the ClinGen CCDS VCEP (Specifications Version 1.1.0): BA1, BP4, BP7. (Classification approved by the ClinGen CCDS VCEP on June 6, 2022).

CeGaT Center for Human Genetics Tuebingen
Classification: Likely benign. Last evaluated: 2026-09-01. Review status: criteria provided, single submitter. Criteria: CeGaT Center For Human Genetics Tuebingen Variant Classification Criteria Version 2. Collection method: clinical testing. Allele origin: germline. Affected: yes. Observed: 7 variant alleles. Not counted in ClinVar's aggregate classification.
Comment: GAMT: BP4, BP7

Labcorp Genetics (formerly Invitae), Labcorp
Classification: Benign for Cerebral creatine deficiency syndrome. Last evaluated: 2026-01-14. Review status: criteria provided, single submitter. Criteria: Invitae Variant Classification Sherloc (09022015). Collection method: clinical testing. Allele origin: germline. Not counted in ClinVar's aggregate classification.

ARUP Laboratories, Molecular Genetics and Genomics, ARUP Laboratories
Classification: Benign for Deficiency of guanidinoacetate methyltransferase. Last evaluated: 2025-05-06. Review status: criteria provided, single submitter. Criteria: ARUP Molecular Germline Variant Investigation Process 2024. Collection method: clinical testing. Allele origin: germline. Not counted in ClinVar's aggregate classification.

Blueprint Genetics
Classification: Likely benign. Last evaluated: 2024-11-21. Review status: criteria provided, single submitter. Criteria: ACMG Guidelines, 2015. Collection method: clinical testing. Allele origin: germline. Not counted in ClinVar's aggregate classification.

Illumina Laboratory Services, Illumina
Classification: Likely benign for Deficiency of guanidinoacetate methyltransferase. Last evaluated: 2018-01-13. Review status: criteria provided, single submitter. Criteria: ICSL Variant Classification Criteria 13 December 2019. Collection method: clinical testing. Allele origin: germline. Not counted in ClinVar's aggregate classification.
Comment: This variant was observed in the ICSL laboratory as part of a predisposition screen in an ostensibly healthy population. It had not been previously curated by ICSL or reported in the Human Gene Mutation Database (HGMD: prior to June 1st, 2018), and was therefore a candidate for classification through an automated scoring system. Utilizing variant allele frequency, disease prevalence and penetrance estimates, and inheritance mode, an automated score was calculated to assess if this variant is too frequent to cause the disease. Based on the score and internal cut-off values, a variant classified as likely benign is not then subjected to further curation. The score for this variant resulted in a classification of likely benign for this disease.

Ambry Genetics
Classification: Likely benign for Inborn genetic diseases. Last evaluated: 2016-12-29. Review status: criteria provided, single submitter. Criteria: Ambry Variant Classification Scheme 2023. Collection method: clinical testing. Allele origin: germline. Not counted in ClinVar's aggregate classification.

Eurofins Ntd Llc (ga)
Classification: Likely benign. Last evaluated: 2016-01-26. Review status: criteria provided, single submitter. Criteria: EGL Classification Definitions 2015. Collection method: clinical testing. Allele origin: germline. Observed: 1 variant allele, 1 heterozygote. Not counted in ClinVar's aggregate classification.

GeneDx
Classification: Benign. Last evaluated: 2014-05-19. Review status: criteria provided, single submitter. Criteria: GeneDx Variant Classification (06012015). Collection method: clinical testing. Allele origin: germline. Affected: yes. Not counted in ClinVar's aggregate classification.
Comment: This variant is considered likely benign or benign based on one or more of the following criteria: it is a conservative change, it occurs at a poorly conserved position in the protein, it is predicted to be benign by multiple in silico algorithms, and/or has population frequency not consistent with disease.

Clinical Genetics DNA and cytogenetics Diagnostics Lab, Erasmus MC, Erasmus Medical Center
Classification: Likely benign. Review status: no assertion criteria provided. Collection method: clinical testing. Allele origin: germline. Affected: yes. Study: VKGL Data-share Consensus. Not counted in ClinVar's aggregate classification.

Genome Diagnostics Laboratory, University Medical Center Utrecht
Classification: Likely benign. Review status: no assertion criteria provided. Collection method: clinical testing. Allele origin: germline. Affected: yes. Study: VKGL Data-share Consensus. Not counted in ClinVar's aggregate classification.